The following is an entry in ClinVar:

ClinVar aggregate classification (germline): Uncertain significance. Review status: criteria provided, multiple submitters, no conflicts (2 of 4 stars). 2 submissions from 2 submitters: Uncertain significance (2). Last evaluated 2023-11-07.

Submissions (2):

Athena Diagnostics
Classification: Uncertain significance. Last evaluated: 2023-11-07. Review status: criteria provided, single submitter. Criteria: Athena Diagnostics Criteria. Collection method: clinical testing. Allele origin: unknown.
Comment: Available data are insufficient to determine the clinical significance of the variant at this time. This variant has not been reported in large, multi-ethnic general populations. This variant has been seen where an alternate explanation for disease was also identified, suggesting this variant may not cause disease. Computational tools disagree on the variant's effect on normal protein function. Greater than 90% of NOTCH3 pathogenic variants associated with CADASIL involve the gain or loss of a cysteine residue within the epidermal growth factor (EGF)-like repeat domain (PMID: 32457593, 20301673).

Labcorp Genetics (formerly Invitae), Labcorp
Classification: Uncertain significance. Last evaluated: 2020-12-20. Review status: criteria provided, single submitter. Criteria: Invitae Variant Classification Sherloc (09022015). Collection method: clinical testing. Allele origin: germline.
Comment: In summary, the available evidence is currently insufficient to determine the role of this variant in disease. Therefore, it has been classified as a Variant of Uncertain Significance. Advanced modeling of protein sequence and biophysical properties (such as structural, functional, and spatial information, amino acid conservation, physicochemical variation, residue mobility, and thermodynamic stability) performed at Invitae indicates that this missense variant is not expected to disrupt NOTCH3 protein function. This variant has not been reported in the literature in individuals with NOTCH3-related conditions. This variant is not present in population databases (ExAC no frequency). This sequence change replaces leucine with isoleucine at codon 653 of the NOTCH3 protein (p.Leu653Ile). The leucine residue is highly conserved and there is a small physicochemical difference between leucine and isoleucine.

NM_000435.3(NOTCH3):c.1957C>A (p.Leu653Ile)

Gene: NOTCH3 (notch receptor 3; minus strand). Cytogenetic location: 19p13.12.
Variant type: single nucleotide variant.
Coding change: c.1957C>A on transcript NM_000435.3 (MANE Select); coding-DNA position 1957, C replaced by A.
Protein change: p.Leu653Ile; replaces leucine 653 with isoleucine.
Molecular consequence: missense variant.
Genome position (GRCh38, 1-based): chr19:15,185,674, G>T on the plus strand (C>A on the coding strand, the complement: NOTCH3 is on the minus strand). VCF-style: chr19-15185674-G-T. GRCh37 (hg19) VCF-style: chr19-15296485-G-T.
Other names: short protein forms L653I.
Identifiers: ClinVar variation 995041 (VCV000995041.10), dbSNP rs1336688514, ClinGen allele CA404523640.